The following is an entry in ClinVar:

NM_001130438.3(SPTAN1):c.1400T>C (p.Met467Thr)

Gene: SPTAN1 (spectrin alpha, non-erythrocytic 1; plus strand). Cytogenetic location: 9q34.11.
Variant type: single nucleotide variant.
Coding change: c.1400T>C on transcript NM_001130438.3 (MANE Select); coding-DNA position 1400, T replaced by C.
Protein change: p.Met467Thr; replaces methionine 467 with threonine.
Molecular consequence: missense variant.
Genome position (GRCh38, 1-based): chr9:128,580,998, T>C. VCF-style: chr9-128580998-T-C. GRCh37 (hg19) VCF-style: chr9-131343277-T-C.
Other names: c.1400T>C, p.Met467Thr (NM_001195532.2, NM_001363759.2, NM_001363765.2 and 5 more transcripts); c.1436T>C, p.Met479Thr (NM_001375312.2, NM_001375318.1); short protein forms M467T, M479T.
Identifiers: ClinVar variation 3777572 (VCV003777572.1).

ClinVar aggregate classification (germline): Uncertain significance (1 of 4 stars; one submission).

Submission:

GeneDx
Classification: Uncertain significance. Last evaluated: 2024-10-08. Review status: criteria provided, single submitter. Criteria: GeneDx Variant Classification Process June 2021. Collection method: clinical testing. Allele origin: germline. Affected: yes.
Comment: Not observed at significant frequency in large population cohorts (gnomAD); In silico analysis supports that this missense variant has a deleterious effect on protein structure/function; Has not been previously published as pathogenic or benign to our knowledge